The following is an entry in ClinVar:

ClinVar aggregate classification (germline): Uncertain significance. Review status: criteria provided, multiple submitters, no conflicts (2 of 4 stars). 3 submissions from 3 submitters: Uncertain significance (2). 1 of the submissions does not count toward it. Last evaluated 2023-12-05.

Conditions:
POLG-related disorder. Also called: POLG-related condition; POLG-Related Disorders; POLG-Related Spectrum Disorders. Identifiers: MedGen C4763519.

Allele frequency attached by ClinVar (database versions not stated): gnomAD exomes below 0.00001.

Submissions (3):

Blueprint Genetics
Classification: Uncertain significance. Last evaluated: 2023-12-05. Review status: criteria provided, single submitter. Criteria: ACMG Guidelines, 2015. Collection method: clinical testing. Allele origin: germline.

CeGaT Center for Human Genetics Tuebingen
Classification: Uncertain significance. Last evaluated: 2021-09-01. Review status: criteria provided, single submitter. Criteria: CeGaT Center For Human Genetics Tuebingen Variant Classification Criteria Version 2. Collection method: clinical testing. Allele origin: germline. Affected: yes. Observed: 1 variant allele.

PreventionGenetics, part of Exact Sciences
Classification: Uncertain significance for POLG-related condition. Last evaluated: 2023-11-29. Review status: no assertion criteria provided. Collection method: clinical testing. Allele origin: germline. Not counted in ClinVar's aggregate classification.
Comment: The POLG c.1957G>A variant is predicted to result in the amino acid substitution p.Glu653Lys. To our knowledge, this variant has not been reported in the literature. This variant is reported in 0.00089% of alleles in individuals of European (Non-Finnish) descent in gnomAD. At this time, the clinical significance of this variant is uncertain due to the absence of conclusive functional and genetic evidence.

NM_002693.3(POLG):c.1957G>A (p.Glu653Lys)

Gene: POLG (DNA polymerase gamma, catalytic subunit; minus strand). Cytogenetic location: 15q26.1.
Variant type: single nucleotide variant.
Coding change: c.1957G>A on transcript NM_002693.3 (MANE Select); coding-DNA position 1957, G replaced by A.
Protein change: p.Glu653Lys; replaces glutamic acid 653 with lysine.
Molecular consequence: missense variant.
Genome position (GRCh38, 1-based): chr15:89,324,220, C>T on the plus strand (G>A on the coding strand, the complement: POLG is on the minus strand). VCF-style: chr15-89324220-C-T. GRCh37 (hg19) VCF-style: chr15-89867451-C-T.
Other names: c.1957G>A, p.Glu653Lys (NM_001126131.2); c.1957G>A (NM_002693.2); short protein forms E653K.
Identifiers: ClinVar variation 1298635 (VCV001298635.36), dbSNP rs1414913115, ClinGen allele CA393757889.